The following is an entry in ClinVar:

NM_001270.4(CHD1):c.324G>T (p.Gln108His)

Gene: CHD1 (chromodomain helicase DNA binding protein 1; minus strand). Cytogenetic location: 5q21.1.
Variant type: single nucleotide variant.
Coding change: c.324G>T on transcript NM_001270.4 (MANE Select); coding-DNA position 324, G replaced by T.
Protein change: p.Gln108His; replaces glutamine 108 with histidine.
Molecular consequence: missense variant. On other transcripts: non-coding transcript variant (2).
Genome position (GRCh38, 1-based): chr5:98,903,840, C>A on the plus strand (G>T on the coding strand, the complement: CHD1 is on the minus strand). VCF-style: chr5-98903840-C-A. GRCh37 (hg19) VCF-style: chr5-98239544-C-A.
Other names: c.324G>T, p.Gln108His (NM_001364113.3, NM_001376194.2); short protein forms Q108H.
Identifiers: ClinVar variation 4535212 (VCV004535212.6).

ClinVar aggregate classification (germline): Uncertain significance (1 of 4 stars; one submission).

Submission:

CeGaT Center for Human Genetics Tuebingen
Classification: Uncertain significance. Last evaluated: 2025-11-01. Review status: criteria provided, single submitter. Criteria: CeGaT Center For Human Genetics Tuebingen Variant Classification Criteria Version 2. Collection method: clinical testing. Allele origin: germline. Affected: yes. Observed: 1 variant allele.
Comment: CHD1: PM2